The following is an entry in ClinVar:

NM_001267550.2(TTN):c.57586C>G (p.Leu19196Val)

Genes: TTN (titin; minus strand), TTN-AS1 (TTN antisense RNA 1; plus strand). Cytogenetic location: 2q31.2.
Variant type: single nucleotide variant.
Coding change: c.57586C>G on transcript NM_001267550.2 (MANE Select); coding-DNA position 57586, C replaced by G.
Protein change: p.Leu19196Val; replaces leucine 19196 with valine.
Molecular consequence: missense variant.
Genome position (GRCh38, 1-based): chr2:178,595,768, G>C on the plus strand (C>G on the coding strand, the complement: TTN is on the minus strand). VCF-style: chr2-178595768-G-C. GRCh37 (hg19) VCF-style: chr2-179460495-G-C.
Other names: p.L17555V:CTA>GTA; c.52663C>G, p.Leu17555Val (NM_001256850.1); c.49882C>G, p.Leu16628Val (NM_133378.4); c.30391C>G, p.Leu10131Val (NM_003319.4); c.30766C>G, p.Leu10256Val (NM_133432.3); c.30967C>G, p.Leu10323Val (NM_133437.4); short protein forms L19196V, L16628V, L17555V, L10256V, L10131V, L10323V.
Identifiers: ClinVar variation 47126 (VCV000047126.39), dbSNP rs397517630, ClinGen allele CA140071.

ClinVar aggregate classification (germline): Conflicting classifications of pathogenicity. Review status: criteria provided, conflicting classifications (1 of 4 stars). 19 submissions from 15 submitters: Uncertain significance (11); Likely benign (8). Last evaluated 2025-08-01.

Conditions:
Cardiovascular phenotype. Identifiers: MedGen CN230736.
Dilated cardiomyopathy 1G (CMD1G). Identifiers: Orphanet 154, MedGen C1858763, MONDO:0011400, OMIM 604145.
Autosomal recessive limb-girdle muscular dystrophy type 2J (LGMDR10). Also called: Limb-girdle muscular dystrophy, type 2J; MUSCULAR DYSTROPHY, LIMB-GIRDLE, AUTOSOMAL RECESSIVE 10. Identifiers: Orphanet 140922, MedGen C1837342, MONDO:0012127, OMIM 608807.
Cardiomyopathy (CMYO). Also called: Cardiomyopathies. Identifiers: Orphanet 167848, MedGen C0878544, MONDO:0004994, HP:0001638. Inheritance: Various modes of inheritance.
Early-onset myopathy with fatal cardiomyopathy (CMYO5). Also called: Salih Myopathy; CONGENITAL MYOPATHY 5 WITH CARDIOMYOPATHY. Identifiers: Orphanet 289377, MedGen C2673677, MONDO:0012714, OMIM 611705. Disease mechanism: loss of function.
Myopathy, myofibrillar, 9, with early respiratory failure (MFM9). Also called: Hereditary myopathy with early respiratory failure; Myopathy, distal, with early respiratory failure, autosomal dominant; EDSTROM MYOPATHY; MYOPATHY, PROXIMAL, WITH EARLY RESPIRATORY MUSCLE INVOLVEMENT. Identifiers: Orphanet 178464, Orphanet 34521, MedGen C1863599, MONDO:0011362, OMIM 603689.
Tibial muscular dystrophy (TMD). Also called: Udd Distal Myopathy – Tibial Muscular Dystrophy; Tibial muscular dystrophy, tardive; UDD MYOPATHY. Identifiers: Orphanet 609, MedGen C1838244, MONDO:0010870, OMIM 600334.
Ventricular tachycardia. Identifiers: MedGen C0042514, MONDO:0005477, HP:0004756.

Allele frequency attached by ClinVar (database versions not stated): gnomAD 0.00006 and 0.00008; TOPMed 0.00008; gnomAD exomes 0.00017; ExAC 0.00027.
gnomAD v4.1: 224 of 1,608,322 alleles (0.014%); highest among the groups gnomAD compares: Middle Eastern, 0.79%; no homozygotes.

Submissions (19):

CeGaT Center for Human Genetics Tuebingen
Classification: Uncertain significance. Last evaluated: 2025-08-01. Review status: criteria provided, single submitter. Criteria: CeGaT Center For Human Genetics Tuebingen Variant Classification Criteria Version 2. Collection method: clinical testing. Allele origin: germline. Affected: yes. Observed: 1 variant allele.
Comment: TTN: PM2

Revvity Omics, Revvity
Classification: Uncertain significance. Last evaluated: 2025-06-12. Review status: criteria provided, single submitter. Criteria: ACMG Guidelines, 2015. Collection method: clinical testing. Allele origin: germline.

Molecular Diagnostic Laboratory for Inherited Cardiovascular Disease, Montreal Heart Institute
Classification: Likely benign. Last evaluated: 2025-04-09. Review status: criteria provided, single submitter. Criteria: ACMG Guidelines, 2015. Collection method: clinical testing. Allele origin: germline. Affected: no.

Blueprint Genetics
Classification: Likely benign. Last evaluated: 2024-11-08. Review status: criteria provided, single submitter. Criteria: ACMG Guidelines, 2015. Collection method: clinical testing. Allele origin: germline.

Women's Health and Genetics/Laboratory Corporation of America, LabCorp
Classification: Likely benign. Last evaluated: 2022-04-25. Review status: criteria provided, single submitter. Criteria: LabCorp Variant Classification Summary - May 2015. Collection method: clinical testing. Allele origin: germline.
Comment: Variant summary: TTN c.49882C>G (p.Leu16628Val) results in a conservative amino acid change located in the A-band of the encoded protein sequence. Three of five in-silico tools predict a benign effect of the variant on protein function. The variant allele was found at a frequency of 0.00017 in 271140 control chromosomes, predominantly at a frequency of 0.00038 within the Latino subpopulation in the gnomAD database. This frequency is slightly lower than expected for a pathogenic variant in TTN causing Dilated Cardiomyopathy (0.00038 vs 0.00039), allowing no conclusion about variant significance. To our knowledge, no occurrence of c.49882C>G in individuals affected with Dilated Cardiomyopathy and no experimental evidence demonstrating its impact on protein function have been reported. Eight clinical diagnostic laboratories have submitted clinical-significance assessments for this variant to ClinVar after 2014 without evidence for independent evaluation. Multiple laboratories reported the variant with conflicting assessments (likely benign n=4, VUS n=4). Based on the evidence outlined above, the variant was classified as likely benign.

GeneDx
Classification: Likely benign. Last evaluated: 2021-01-22. Review status: criteria provided, single submitter. Criteria: GeneDx Variant Classification Process June 2021. Collection method: clinical testing. Allele origin: germline. Affected: yes.

Baylor Genetics
Classification: Uncertain significance for Dilated cardiomyopathy 1G. Last evaluated: 2020-07-28. Review status: criteria provided, single submitter. Criteria: ACMG Guidelines, 2015. Collection method: clinical testing. Allele origin: unknown. Affected: yes.
Comment: This variant was determined to be of uncertain significance according to ACMG Guidelines, 2015 [PMID:25741868].

CHEO Genetics Diagnostic Laboratory, Children's Hospital of Eastern Ontario
Classification: Likely benign for Cardiomyopathy. Last evaluated: 2020-01-14. Review status: criteria provided, single submitter. Criteria: ACMG Guidelines, 2015. Collection method: clinical testing. Allele origin: germline.

Center for Advanced Laboratory Medicine, UC San Diego Health, University of California San Diego
Classification: Likely benign for Ventricular tachycardia. Last evaluated: 2019-03-04. Review status: criteria provided, single submitter. Criteria: ACMG Guidelines, 2015. Collection method: clinical testing. Allele origin: germline. Affected: yes. Observed: 2 variant alleles.

Illumina Laboratory Services, Illumina
Classification: Uncertain significance for Early-onset myopathy with fatal cardiomyopathy. Last evaluated: 2018-01-13. Review status: criteria provided, single submitter. Criteria: ICSL Variant Classification Criteria 13 December 2019. Collection method: clinical testing. Allele origin: germline.

Illumina Laboratory Services, Illumina
Classification: Uncertain significance for Dilated cardiomyopathy 1G. Last evaluated: 2018-01-13. Review status: criteria provided, single submitter. Criteria: ICSL Variant Classification Criteria 13 December 2019. Collection method: clinical testing. Allele origin: germline.

Illumina Laboratory Services, Illumina
Classification: Likely benign for Myopathy, myofibrillar, 9, with early respiratory failure. Last evaluated: 2018-01-13. Review status: criteria provided, single submitter. Criteria: ICSL Variant Classification Criteria 13 December 2019. Collection method: clinical testing. Allele origin: germline.
Comment: This variant was observed in the ICSL laboratory as part of a predisposition screen in an ostensibly healthy population. It had not been previously curated by ICSL or reported in the Human Gene Mutation Database (HGMD: prior to June 1st, 2018), and was therefore a candidate for classification through an automated scoring system. Utilizing variant allele frequency, disease prevalence and penetrance estimates, and inheritance mode, an automated score was calculated to assess if this variant is too frequent to cause the disease. Based on the score and internal cut-off values, a variant classified as likely benign is not then subjected to further curation. The score for this variant resulted in a classification of likely benign for this disease.

Illumina Laboratory Services, Illumina
Classification: Uncertain significance for Autosomal recessive limb-girdle muscular dystrophy type 2J. Last evaluated: 2018-01-13. Review status: criteria provided, single submitter. Criteria: ICSL Variant Classification Criteria 13 December 2019. Collection method: clinical testing. Allele origin: germline.

Illumina Laboratory Services, Illumina
Classification: Likely benign for Tibial muscular dystrophy. Last evaluated: 2018-01-13. Review status: criteria provided, single submitter. Criteria: ICSL Variant Classification Criteria 13 December 2019. Collection method: clinical testing. Allele origin: germline.
Comment: the same text as in the submission from Illumina Laboratory Services, Illumina above.

Labcorp Genetics (formerly Invitae), Labcorp
Classification: Uncertain significance for Dilated cardiomyopathy 1G; Autosomal recessive limb-girdle muscular dystrophy type 2J. Last evaluated: 2017-07-20. Review status: criteria provided, single submitter. Criteria: Invitae Variant Classification Sherloc (09022015). Collection method: clinical testing. Allele origin: germline.

Eurofins Ntd Llc (ga)
Classification: Uncertain significance. Last evaluated: 2016-06-21. Review status: criteria provided, single submitter. Criteria: EGL Classification Definitions 2015. Collection method: clinical testing. Allele origin: germline. Observed: 2 variant alleles, 1 heterozygote, 1 homozygote.

Genetic Services Laboratory, University of Chicago
Classification: Uncertain significance. Last evaluated: 2014-03-31. Review status: criteria provided, single submitter. Criteria: ACMG Guidelines, 2007. Collection method: clinical testing. Allele origin: germline.

Laboratory for Molecular Medicine, Mass General Brigham Personalized Medicine
Classification: Uncertain significance. Last evaluated: 2014-02-04. Review status: criteria provided, single submitter. Criteria: LMM Criteria. Collection method: clinical testing. Allele origin: germline. Observed: 4 variant alleles.
Comment: Variant classified as Uncertain Significance - Favor Benign. The Leu16628Val var iant in TTN has been identified by our laboratory in one individual with HCM and one individual with desminopathy, both of whom carried a likely pathogenic vari ant in another gene. This variant was not identified in large population studie s. Computational analyses (biochemical amino acid properties, conservation, Alig nGVGD, PolyPhen2, and SIFT) do not provide strong support for or against an impa ct to the protein. In summary, additional information is needed to fully assess the clinical significance of the Leu166278Val variant.

Ambry Genetics
Classification: Uncertain significance for Cardiovascular phenotype. Last evaluated: 2013-03-11. Review status: criteria provided, single submitter. Criteria: Ambry Autosomal Dominant and X-Linked criteria (10/2015). Collection method: clinical testing. Allele origin: germline. Observed: 1 variant allele.
Comment: There is insufficient or conflicting evidence for classification of this alteration.